The following is an entry in ClinVar:

NM_000535.7(PMS2):c.1240G>A (p.Asp414Asn)

Gene: PMS2 (PMS1 homolog 2, mismatch repair system component; minus strand). Cytogenetic location: 7p22.1.
Variant type: single nucleotide variant.
Coding change: c.1240G>A on transcript NM_000535.7 (MANE Select); coding-DNA position 1240, G replaced by A.
Protein change: p.Asp414Asn; replaces aspartic acid 414 with asparagine.
Molecular consequence: missense variant. On other transcripts: non-coding transcript variant (1).
Genome position (GRCh38, 1-based): chr7:5,987,525, C>T on the plus strand (G>A on the coding strand, the complement: PMS2 is on the minus strand). VCF-style: chr7-5987525-C-T. GRCh37 (hg19) VCF-style: chr7-6027156-C-T.
Other names: c.922G>A, p.Asp308Asn (NM_001322008.2, NM_001322007.2); c.835G>A, p.Asp279Asn (NM_001322009.2, NM_001322003.2, NM_001322004.2 and 1 more transcripts); c.679G>A, p.Asp227Asn (NM_001322010.2); c.307G>A, p.Asp103Asn (NM_001322011.2, NM_001322012.2); c.667G>A, p.Asp223Asn (NM_001322013.2); c.1240G>A, p.Asp414Asn (NM_001322014.2); c.931G>A, p.Asp311Asn (NM_001322015.2); c.1084G>A, p.Asp362Asn (NM_001322006.2); short protein forms D223N, D311N, D103N, D279N, D362N, D414N, D227N, D308N.
Identifiers: ClinVar variation 1044468 (VCV001044468.11), dbSNP rs370752614, ClinGen allele CA366742499.
Genomic context (GRCh38, chr7:5,987,525, plus strand): 5'-GCTTGTTCTCTGTTGTGTGACGAAGAGAAAAGGCCTCTCGCAGTCTGGAAATGGACACGT[C>T]TTTTTTTTCTTCTCCAGTCCTTAATGAAGGGGATTGATCCTGCTTTTCTACCATGGGCTT-3'
Protein context (NP_000526.2, residues 404-424): PSLRTGEEKK[Asp414Asn]VSISRLREAF

ClinVar aggregate classification (germline): Conflicting classifications of pathogenicity. Review status: criteria provided, conflicting classifications (1 of 4 stars). 3 submissions from 3 submitters: Uncertain significance (2); Likely benign (1). Last evaluated 2025-08-20.

Conditions:
Hereditary cancer-predisposing syndrome. Also called: Hereditary Cancer Syndrome; Tumor predisposition; Hereditary neoplastic syndrome; Neoplastic Syndromes, Hereditary. Identifiers: Orphanet 140162, MedGen C0027672, MeSH D009386, MONDO:0015356.
Hereditary nonpolyposis colorectal neoplasms. Identifiers: MedGen C0009405, MeSH D003123.

gnomAD v4.1: 1 of 1,613,998 alleles (0.000062%); highest among the groups gnomAD compares: East Asian, 0.0022%; no homozygotes.

Submissions (3):

Labcorp Genetics (formerly Invitae), Labcorp
Classification: Uncertain significance for Hereditary nonpolyposis colorectal neoplasms. Last evaluated: 2025-08-20. Review status: criteria provided, single submitter. Criteria: Invitae Variant Classification Sherloc (09022015). Collection method: clinical testing. Allele origin: germline.
Comment: This sequence change replaces aspartic acid, which is acidic and polar, with asparagine, which is neutral and polar, at codon 414 of the PMS2 protein (p.Asp414Asn). This variant is not present in population databases (gnomAD no frequency). This variant has not been reported in the literature in individuals affected with PMS2-related conditions. ClinVar contains an entry for this variant (Variation ID: 1044468). Invitae Evidence Modeling incorporating data from in vitro experimental studies (internal data) indicates that this missense variant is not expected to disrupt PMS2 function with a negative predictive value of 95%. In summary, the available evidence is currently insufficient to determine the role of this variant in disease. Therefore, it has been classified as a Variant of Uncertain Significance.

Ambry Genetics
Classification: Likely benign for Hereditary cancer-predisposing syndrome. Last evaluated: 2024-08-01. Review status: criteria provided, single submitter. Criteria: Ambry Variant Classification Scheme 2023. Collection method: clinical testing. Allele origin: germline.

Sema4
Classification: Uncertain significance for Hereditary cancer-predisposing syndrome. Last evaluated: 2021-11-24. Review status: criteria provided, single submitter. Criteria: Sema4 Curation Guidelines. Collection method: curation. Allele origin: germline.
Comment: The PMS2 c.1240G>A (p.D414N) variant has not been reported in literature to our knowledge. It was not observed in the large and broad cohorts of the Genome Aggregation Database (PMID: 32461654). This variant has been reported in ClinVar (Variation ID: 1044468). In silico tools suggest the impact of the variant on protein function is benign, though these predictions have not been confirmed by functional studies. The overall evidence is insufficient to meet ACMG/AMP criteria for classifying the variant as benign or pathogenic. Thus, the clinical significance of this variant is currently uncertain.